The following is an entry in ClinVar:

ClinVar aggregate classification (germline): Uncertain significance (1 of 4 stars; one submission).

Submission:

GeneDx
Classification: Uncertain significance. Last evaluated: 2024-10-21. Review status: criteria provided, single submitter. Criteria: GeneDx Variant Classification Process June 2021. Collection method: clinical testing. Allele origin: germline. Affected: yes.
Comment: Not observed at significant frequency in large population cohorts (gnomAD); In silico analysis indicates that this missense variant does not alter protein structure/function; Has not been previously published as pathogenic or benign to our knowledge; Not located in the triple helical region, where the majority of pathogenic missense variants occur (HGMD, PMID: 25240749)

NM_001854.4(COL11A1):c.1475T>C (p.Met492Thr)

Gene: COL11A1 (collagen type XI alpha 1 chain; minus strand). Cytogenetic location: 1p21.1.
Variant type: single nucleotide variant.
Coding change: c.1475T>C on transcript NM_001854.4 (MANE Select); coding-DNA position 1475, T replaced by C.
Protein change: p.Met492Thr; replaces methionine 492 with threonine.
Molecular consequence: missense variant. On other transcripts: non-coding transcript variant (1).
Genome position (GRCh38, 1-based): chr1:103,015,681, A>G on the plus strand (T>C on the coding strand, the complement: COL11A1 is on the minus strand). VCF-style: chr1-103015681-A-G. GRCh37 (hg19) VCF-style: chr1-103481237-A-G.
Other names: c.1358T>C, p.Met453Thr (NM_001190709.2); c.1511T>C, p.Met504Thr (NM_080629.3); c.1127T>C, p.Met376Thr (NM_080630.4); short protein forms M504T, M453T, M376T, M492T.
Identifiers: ClinVar variation 3781267 (VCV003781267.1).